The following is an entry in ClinVar:

ClinVar aggregate classification (germline): Likely benign (1 of 4 stars; one submission).

gnomAD v4.1: 37 of 1,613,898 alleles (0.0023%); highest among the groups gnomAD compares: Admixed American, 0.032%; 1 homozygote.

Submission:

CeGaT Center for Human Genetics Tuebingen
Classification: Likely benign. Last evaluated: 2026-07-01. Review status: criteria provided, single submitter. Criteria: CeGaT Center For Human Genetics Tuebingen Variant Classification Criteria Version 2. Collection method: clinical testing. Allele origin: germline. Affected: yes. Observed: 1 variant allele.
Comment: TAF4: BP4, BP7

NM_003185.4(TAF4):c.3168G>A (p.Thr1056=)

Gene: TAF4 (TATA-box binding protein associated factor 4; minus strand). Cytogenetic location: 20q13.33.
Variant type: single nucleotide variant.
Coding change: c.3168G>A on transcript NM_003185.4 (MANE Select); coding-DNA position 3168, G replaced by A.
Protein change: p.Thr1056=; no amino-acid change (threonine 1056 retained).
Molecular consequence: synonymous variant.
Genome position (GRCh38, 1-based): chr20:61,976,258, C>T on the plus strand (G>A on the coding strand, the complement: TAF4 is on the minus strand). VCF-style: chr20-61976258-C-T. GRCh37 (hg19) VCF-style: chr20-60551314-C-T.
Identifiers: ClinVar variation 4873888 (VCV004873888.2).
Genomic context (GRCh38, chr20:61,976,258, plus strand): 5'-TGAATGGCTTGTCTCACGTTCATTTTCTAAACAAAATATGAGGTCCCTGAGGTTGACCCG[C>T]GTGATTCTTTGTCGCGTGAACTGTCTGGGGGTTCCGACACCCGAGCTGCCTGGGACCACT-3'
Protein context (NP_003176.2, residues 1046-1066): TPRQFTRQRI[Thr1056=]RVNLRDLIFC